The following is an entry in ClinVar:

ClinVar aggregate classification (germline): Uncertain significance (1 of 4 stars; one submission).

Conditions:
Bethlem myopathy 1A. Also called: MYOPATHY, BENIGN CONGENITAL, WITH CONTRACTURES; Bethlem Muscular Dystrophy; Bethlem myopathy 1. Identifiers: Orphanet 610, MedGen CN029274, MONDO:0024530, OMIM 158810.

Allele frequency attached by ClinVar (database versions not stated): gnomAD exomes below 0.00001; ExAC 0.00001; gnomAD 0.00001.
gnomAD v4.1: 6 of 1,606,764 alleles (0.00037%); highest among the groups gnomAD compares: Admixed American, 0.0017%; no homozygotes.

Submission:

Labcorp Genetics (formerly Invitae), Labcorp
Classification: Uncertain significance for Bethlem myopathy 1A. Last evaluated: 2025-07-30. Review status: criteria provided, single submitter. Criteria: Invitae Variant Classification Sherloc (09022015). Collection method: clinical testing. Allele origin: germline.
Comment: This sequence change replaces cysteine, which is neutral and slightly polar, with tyrosine, which is neutral and polar, at codon 827 of the COL6A2 protein (p.Cys827Tyr). The frequency data for this variant in the population databases is considered unreliable, as metrics indicate poor data quality at this position in the gnomAD database. This variant has not been reported in the literature in individuals affected with COL6A2-related conditions. ClinVar contains an entry for this variant (Variation ID: 1350687). Invitae Evidence Modeling of protein sequence and biophysical properties (such as structural, functional, and spatial information, amino acid conservation, physicochemical variation, residue mobility, and thermodynamic stability) indicates that this missense variant is expected to disrupt COL6A2 protein function with a positive predictive value of 80%. In summary, the available evidence is currently insufficient to determine the role of this variant in disease. Therefore, it has been classified as a Variant of Uncertain Significance.

NM_001849.4(COL6A2):c.2480G>A (p.Cys827Tyr)

Gene: COL6A2 (collagen type VI alpha 2 chain; plus strand). Cytogenetic location: 21q22.3.
Variant type: single nucleotide variant.
Coding change: c.2480G>A on transcript NM_001849.4 (MANE Select); coding-DNA position 2480, G replaced by A.
Protein change: p.Cys827Tyr; replaces cysteine 827 with tyrosine.
Molecular consequence: missense variant.
Genome position (GRCh38, 1-based): chr21:46,131,972, G>A. VCF-style: chr21-46131972-G-A. GRCh37 (hg19) VCF-style: chr21-47551886-G-A.
Other names: short protein forms C827Y.
Identifiers: ClinVar variation 1350687 (VCV001350687.6), dbSNP rs11554667, ClinGen allele CA10072901.